The following is an entry in ClinVar:

ClinVar aggregate classification (germline): Uncertain significance (1 of 4 stars; one submission).

Conditions:
Saldino-Mainzer syndrome (SRTD9). Also called: short-rib thoracic dysplasia 9 with or without polydactyly; CONORENAL SYNDROME; Renal dysplasia, retinal pigmentary dystrophy, cerebellar ataxia and skeletal dysplasia; SHORT-RIB THORACIC DYSPLASIA 9 WITHOUT POLYDACTYLY. Identifiers: Orphanet 140969, MedGen C1849437, MONDO:0009964, OMIM 266920.

Submission:

Labcorp Genetics (formerly Invitae), Labcorp
Classification: Uncertain significance for Saldino-Mainzer syndrome. Last evaluated: 2022-03-27. Review status: criteria provided, single submitter. Criteria: Invitae Variant Classification Sherloc (09022015). Collection method: clinical testing. Allele origin: germline.
Comment: Algorithms developed to predict the effect of missense changes on protein structure and function (SIFT, PolyPhen-2, Align-GVGD) all suggest that this variant is likely to be tolerated. In summary, the available evidence is currently insufficient to determine the role of this variant in disease. Therefore, it has been classified as a Variant of Uncertain Significance. This variant has not been reported in the literature in individuals affected with IFT140-related conditions. This variant is not present in population databases (gnomAD no frequency). This sequence change replaces proline, which is neutral and non-polar, with threonine, which is neutral and polar, at codon 160 of the IFT140 protein (p.Pro160Thr).

NM_014714.4(IFT140):c.478C>A (p.Pro160Thr)

Genes: IFT140 (intraflagellar transport 140; minus strand), LOC105371046 (uncharacterized LOC105371046; plus strand). Cytogenetic location: 16p13.3.
Variant type: single nucleotide variant.
Coding change: c.478C>A on transcript NM_014714.4 (MANE Select); coding-DNA position 478, C replaced by A.
Protein change: p.Pro160Thr; replaces proline 160 with threonine.
Molecular consequence: missense variant.
Genome position (GRCh38, 1-based): chr16:1,592,480, G>T on the plus strand (C>A on the coding strand, the complement: IFT140 is on the minus strand). VCF-style: chr16-1592480-G-T. GRCh37 (hg19) VCF-style: chr16-1642481-G-T.
Other names: short protein forms P160T.
Identifiers: ClinVar variation 2118149 (VCV002118149.4), dbSNP rs1319870673, ClinGen allele CA394220563.
Genomic context (GRCh38, chr16:1,592,480, plus strand): 5'-CCCGATGTAAACACACACACAGGTCACAGGGCAAGCCCCACACTTACTCGCCAGGAGGGG[G>T]GAGCCGGAAGATGCAGTGCGTGAGGTGTTTCCCATACTCGTGTTTCAGCAGAGGCGTCCC-3'
Protein context (NP_055529.2, residues 150-170): KHLTHCIFRL[Pro160Thr]PPGEDLVQLA